The following is an entry in ClinVar:

NM_005245.4(FAT1):c.3091C>T (p.Pro1031Ser)

Gene: FAT1 (FAT atypical cadherin 1; minus strand). Cytogenetic location: 4q35.2.
Variant type: single nucleotide variant.
Coding change: c.3091C>T on transcript NM_005245.4 (MANE Select); coding-DNA position 3091, C replaced by T.
Protein change: p.Pro1031Ser; replaces proline 1031 with serine.
Molecular consequence: missense variant.
Genome position (GRCh38, 1-based): chr4:186,706,737, G>A on the plus strand (C>T on the coding strand, the complement: FAT1 is on the minus strand). VCF-style: chr4-186706737-G-A. GRCh37 (hg19) VCF-style: chr4-187627891-G-A.
Other names: short protein forms P1031S.
Identifiers: ClinVar variation 3899045 (VCV003899045.1).

ClinVar aggregate classification (germline): Uncertain significance (1 of 4 stars; one submission).

Submission:

GeneDx
Classification: Uncertain significance. Last evaluated: 2024-11-07. Review status: criteria provided, single submitter. Criteria: GeneDx Variant Classification Process June 2021. Collection method: clinical testing. Allele origin: germline. Affected: yes.
Comment: Not observed at significant frequency in large population cohorts (gnomAD); In silico analysis indicates that this missense variant does not alter protein structure/function; Has not been previously published as pathogenic or benign to our knowledge